The following is an entry in ClinVar:

NM_021098.3(CACNA1H):c.842C>G (p.Thr281Arg)

Gene: CACNA1H (calcium voltage-gated channel subunit alpha1 H; plus strand). Cytogenetic location: 16p13.3.
Variant type: single nucleotide variant.
Coding change: c.842C>G on transcript NM_021098.3 (MANE Select); coding-DNA position 842, C replaced by G.
Protein change: p.Thr281Arg; replaces threonine 281 with arginine.
Molecular consequence: missense variant.
Genome position (GRCh38, 1-based): chr16:1,200,294, C>G. VCF-style: chr16-1200294-C-G. GRCh37 (hg19) VCF-style: chr16-1250294-C-G.
Other names: c.842C>G, p.Thr281Arg (NM_001005407.2); short protein forms T281R.
Identifiers: ClinVar variation 1720455 (VCV001720455.5), dbSNP rs774565789, ClinGen allele CA394155930.

ClinVar aggregate classification (germline): Uncertain significance (1 of 4 stars; one submission).

Conditions:
Idiopathic generalized epilepsy. Also called: EIG; Generalised epilepsy. Identifiers: MedGen C0270850, MONDO:0005579, OMIM 600669.
Hyperaldosteronism, familial, type IV (HALD4). Also called: FH IV; ALDOSTERONISM, PRIMARY, AND HYPERTENSION. Identifiers: Orphanet 642671, MedGen C4310756, MONDO:0014875, OMIM 617027.

Submission:

Labcorp Genetics (formerly Invitae), Labcorp
Classification: Uncertain significance for Idiopathic generalized epilepsy; Hyperaldosteronism, familial, type IV. Last evaluated: 2022-09-27. Review status: criteria provided, single submitter. Criteria: Invitae Variant Classification Sherloc (09022015). Collection method: clinical testing. Allele origin: germline.
Comment: This sequence change replaces threonine, which is neutral and polar, with arginine, which is basic and polar, at codon 281 of the CACNA1H protein (p.Thr281Arg). This variant is not present in population databases (gnomAD no frequency). This variant has not been reported in the literature in individuals affected with CACNA1H-related conditions. Advanced modeling of protein sequence and biophysical properties (such as structural, functional, and spatial information, amino acid conservation, physicochemical variation, residue mobility, and thermodynamic stability) performed at Invitae indicates that this missense variant is not expected to disrupt CACNA1H protein function. In summary, the available evidence is currently insufficient to determine the role of this variant in disease. Therefore, it has been classified as a Variant of Uncertain Significance.